The following is an entry in ClinVar:

NM_182914.3(SYNE2):c.6404+5A>G

Gene: SYNE2 (spectrin repeat containing nuclear envelope protein 2; plus strand). Cytogenetic location: 14q23.2.
Variant type: single nucleotide variant.
Coding change: c.6404+5A>G on transcript NM_182914.3 (MANE Select); 5 bases into the intron after coding-DNA position 6404, A replaced by G.
Molecular consequence: intron variant.
Genome position (GRCh38, 1-based): chr14:64,026,735, A>G. VCF-style: chr14-64026735-A-G. GRCh37 (hg19) VCF-style: chr14-64493453-A-G.
Other names: c.6404+5A>G (NM_015180.6).
Identifiers: ClinVar variation 665408 (VCV000665408.10), dbSNP rs571176673, ClinGen allele CA7220691.

ClinVar aggregate classification (germline): Conflicting classifications of pathogenicity. Review status: criteria provided, conflicting classifications (1 of 4 stars). 2 submissions from 2 submitters: Uncertain significance (1); Likely benign (1). Last evaluated 2024-09-28.

Conditions:
Emery-Dreifuss muscular dystrophy 5, autosomal dominant (EDMD5). Also called: EMERY-DREIFUSS MUSCULAR DYSTROPHY 5. Identifiers: Orphanet 261, MedGen C2751805, MONDO:0013072, OMIM 612999.

Allele frequency attached by ClinVar (database versions not stated): gnomAD exomes 0.00001 and 0.00003; TOPMed 0.00002; ExAC 0.00003; gnomAD 0.00003 and 0.00001; 1000 Genomes Project 30x 0.00031; 1000 Genomes Project 0.00040.
gnomAD v4.1: 21 of 1,603,382 alleles (0.0013%); highest among the groups gnomAD compares: East Asian, 0.038%; no homozygotes.

Submissions (2):

Labcorp Genetics (formerly Invitae), Labcorp
Classification: Uncertain significance for Emery-Dreifuss muscular dystrophy 5, autosomal dominant. Last evaluated: 2024-09-28. Review status: criteria provided, single submitter. Criteria: Invitae Variant Classification Sherloc (09022015). Collection method: clinical testing. Allele origin: germline.
Comment: This sequence change falls in intron 42 of the SYNE2 gene. It does not directly change the encoded amino acid sequence of the SYNE2 protein. It affects a nucleotide within the consensus splice site. This variant is present in population databases (rs571176673, gnomAD 0.05%), and has an allele count higher than expected for a pathogenic variant. This variant has not been reported in the literature in individuals affected with SYNE2-related conditions. ClinVar contains an entry for this variant (Variation ID: 665408). Variants that disrupt the consensus splice site are a relatively common cause of aberrant splicing (PMID: 17576681, 9536098). Algorithms developed to predict the effect of sequence changes on RNA splicing suggest that this variant is not likely to affect RNA splicing. In summary, the available evidence is currently insufficient to determine the role of this variant in disease. Therefore, it has been classified as a Variant of Uncertain Significance.

Blueprint Genetics
Classification: Likely benign. Last evaluated: 2023-10-30. Review status: criteria provided, single submitter. Criteria: ACMG Guidelines, 2015. Collection method: clinical testing. Allele origin: germline.

Literature cited by the submitters: PubMed 17576681 (cited by Labcorp Genetics (formerly Invitae), Labcorp); PubMed 9536098 (cited by Labcorp Genetics (formerly Invitae), Labcorp).